The following is an entry in ClinVar:

ClinVar aggregate classification (germline): Uncertain significance. Review status: criteria provided, multiple submitters, no conflicts (2 of 4 stars). 5 submissions from 5 submitters: Uncertain significance (5). Last evaluated 2026-01-21.

Conditions:
Epidermolysis bullosa simplex, Ogna type (EBS5A). Also called: Pidermolysis bullosa simplex 5A, Ogna type; EPIDERMOLYSIS BULLOSA SIMPLEX 5A, OGNA TYPE. Identifiers: Orphanet 79401, MedGen C0432317, MONDO:0007555, OMIM 131950.
Epidermolysis bullosa simplex with nail dystrophy (EBS5D). Identifiers: MedGen C4225309, MONDO:0014661, OMIM 616487.
Autosomal recessive limb-girdle muscular dystrophy type 2Q (LGMDR17). Also called: MUSCULAR DYSTROPHY, LIMB-GIRDLE, AUTOSOMAL RECESSIVE 17. Identifiers: Orphanet 254361, MedGen C3150989, MONDO:0013390, OMIM 613723.
Epidermolysis bullosa simplex 5C, with pyloric atresia (EBS5C). Also called: Epidermolysis bullosa simplex with pyloric atresia; PLEC1-Related Epidermolysis Bullosa with Pyloric Atresia; PLEC-Related Epidermolysis Bullosa with Pyloric Atresia. Identifiers: Orphanet 158684, MedGen C2677349, MONDO:0012807, OMIM 612138.
Epidermolysis bullosa simplex 5B, with muscular dystrophy (EBS5B). Also called: Epidermolysis bullosa simplex with muscular dystrophy; EPIDERMOLYSIS BULLOSA SIMPLEX AND LIMB-GIRDLE MUSCULAR DYSTROPHY. Identifiers: Orphanet 257, MedGen C2931072, MONDO:0009181, OMIM 226670.
Inborn genetic diseases. Identifiers: MedGen C0950123, MeSH D030342.

Allele frequency attached by ClinVar (database versions not stated): gnomAD 0.00002 and 0.00003; ExAC 0.00003; gnomAD exomes 0.00003; TOPMed 0.00004.
gnomAD v4.1: 90 of 1,611,626 alleles (0.0056%); highest among the groups gnomAD compares: Middle Eastern, 0.016%; 1 homozygote.

Submissions (5):

Labcorp Genetics (formerly Invitae), Labcorp
Classification: Uncertain significance for Autosomal recessive limb-girdle muscular dystrophy type 2Q; Epidermolysis bullosa simplex, Ogna type; Epidermolysis bullosa simplex with nail dystrophy; Epidermolysis bullosa simplex 5C, with pyloric atresia; Epidermolysis bullosa simplex 5B, with muscular dystrophy. Last evaluated: 2026-01-21. Review status: criteria provided, single submitter. Criteria: Invitae Variant Classification Sherloc (09022015). Collection method: clinical testing. Allele origin: germline.
Comment: This sequence change replaces glycine, which is neutral and non-polar, with serine, which is neutral and polar, at codon 3605 of the PLEC protein (p.Gly3605Ser). This variant is present in population databases (rs782222673, gnomAD 0.02%). This variant has not been reported in the literature in individuals affected with PLEC-related conditions. ClinVar contains an entry for this variant (Variation ID: 282168). An algorithm developed to predict the effect of missense changes on protein structure and function outputs the following: PolyPhen-2: "Possibly Damaging". The serine amino acid residue is found in multiple mammalian species, which suggests that this missense change does not adversely affect protein function. In summary, the available evidence is currently insufficient to determine the role of this variant in disease. Therefore, it has been classified as a Variant of Uncertain Significance.

CeGaT Center for Human Genetics Tuebingen
Classification: Uncertain significance. Last evaluated: 2025-08-01. Review status: criteria provided, single submitter. Criteria: CeGaT Center For Human Genetics Tuebingen Variant Classification Criteria Version 2. Collection method: clinical testing. Allele origin: germline. Affected: yes. Observed: 2 variant alleles.
Comment: PLEC: PM2, BP4

Ambry Genetics
Classification: Uncertain significance for Inborn genetic diseases. Last evaluated: 2024-03-07. Review status: criteria provided, single submitter. Criteria: Ambry Variant Classification Scheme 2023. Collection method: clinical testing. Allele origin: germline.

Revvity Omics, Revvity
Classification: Uncertain significance. Last evaluated: 2020-10-22. Review status: criteria provided, single submitter. Criteria: ACMG Guidelines, 2015. Collection method: clinical testing. Allele origin: germline.

Eurofins Ntd Llc (ga)
Classification: Uncertain significance. Last evaluated: 2015-07-30. Review status: criteria provided, single submitter. Criteria: EGL Classification Definitions 2015. Collection method: clinical testing. Allele origin: germline. Observed: 1 variant allele, 1 heterozygote.

NM_201384.3(PLEC):c.10732G>A (p.Gly3578Ser)

Gene: PLEC (plectin; minus strand). Cytogenetic location: 8q24.3.
Variant type: single nucleotide variant.
Coding change: c.10732G>A on transcript NM_201384.3 (MANE Select); coding-DNA position 10732, G replaced by A.
Protein change: p.Gly3578Ser; replaces glycine 3578 with serine.
Molecular consequence: missense variant.
Genome position (GRCh38, 1-based): chr8:143,919,089, C>T on the plus strand (G>A on the coding strand, the complement: PLEC is on the minus strand). VCF-style: chr8-143919089-C-T. GRCh37 (hg19) VCF-style: chr8-144993257-C-T.
Other names: c.10813G>A (NM_000445.3); c.10813G>A, p.Gly3605Ser (NM_000445.5); c.10690G>A, p.Gly3564Ser (NM_201378.4); c.10666G>A, p.Gly3556Ser (NM_201379.3); c.11143G>A, p.Gly3715Ser (NM_201380.4); c.10636G>A, p.Gly3546Ser (NM_201381.3); c.10732G>A, p.Gly3578Ser (NM_201382.4); c.10744G>A, p.Gly3582Ser (NM_201383.3); short protein forms G3564S, G3715S, G3605S, G3546S, G3556S, G3582S, G3578S.
Identifiers: ClinVar variation 282168 (VCV000282168.30), dbSNP rs782222673, ClinGen allele CA4924548.